The following is an entry in ClinVar:

NM_021067.5(GINS1):c.32G>A (p.Arg11His)

Genes: GINS1 (GINS complex subunit 1; plus strand), LOC130065587 (ATAC-STARR-seq lymphoblastoid active region 17669; plus strand). Cytogenetic location: 20p11.21.
Variant type: single nucleotide variant.
Coding change: c.32G>A on transcript NM_021067.5 (MANE Select); coding-DNA position 32, G replaced by A.
Protein change: p.Arg11His; replaces arginine 11 with histidine.
Molecular consequence: missense variant. On other transcripts: non-coding transcript variant (1).
Genome position (GRCh38, 1-based): chr20:25,407,852, G>A. VCF-style: chr20-25407852-G-A. GRCh37 (hg19) VCF-style: chr20-25388488-G-A.
Other names: c.32G>A, p.Arg11His (NM_001410830.1, NM_001410831.1); short protein forms R11H.
Identifiers: ClinVar variation 3659750 (VCV003659750.2).

ClinVar aggregate classification (germline): Uncertain significance (1 of 4 stars; one submission).

Submission:

Labcorp Genetics (formerly Invitae), Labcorp
Classification: Uncertain significance. Last evaluated: 2025-05-18. Review status: criteria provided, single submitter. Criteria: Invitae Variant Classification Sherloc (09022015). Collection method: clinical testing. Allele origin: germline.
Comment: This sequence change replaces arginine, which is basic and polar, with histidine, which is basic and polar, at codon 11 of the GINS1 protein (p.Arg11His). This variant is not present in population databases (gnomAD no frequency). This variant has not been reported in the literature in individuals affected with GINS1-related conditions. ClinVar contains an entry for this variant (Variation ID: 3659750). An algorithm developed to predict the effect of missense changes on protein structure and function (PolyPhen-2) suggests that this variant is likely to be tolerated. In summary, the available evidence is currently insufficient to determine the role of this variant in disease. Therefore, it has been classified as a Variant of Uncertain Significance.